The following is an entry in ClinVar:

ClinVar aggregate classification (germline): Pathogenic. Review status: criteria provided, multiple submitters, no conflicts (2 of 4 stars). 3 submissions from 3 submitters: Pathogenic (2). 1 of the submissions does not count toward it. Last evaluated 2024-10-01.

Conditions:
Leber congenital amaurosis (LCA). Also called: Leber's amaurosis. Identifiers: Orphanet 65, MedGen C0339527, MeSH D057130, MONDO:0018998.
Leber congenital amaurosis 12 (LCA12). Identifiers: Orphanet 65, MedGen C1857743, MONDO:0012525, OMIM 610612.

Submissions (3):

Lab De Baere, Eye and Developmental Genetics Lab, Ghent University
Classification: Pathogenic for Leber congenital amaurosis. Last evaluated: 2024-10-01. Review status: criteria provided, single submitter. Criteria: ACMG Guidelines, 2015. Collection method: research. Allele origin: inherited. Affected: yes. Observed: 1 variant allele.
Comment: ACMG/AMP guidelines: PVS1, PM2, PP1_PS

CeGaT Center for Human Genetics Tuebingen
Classification: Pathogenic. Last evaluated: 2021-07-01. Review status: criteria provided, single submitter. Criteria: CeGaT Center For Human Genetics Tuebingen Variant Classification Criteria Version 2. Collection method: clinical testing. Allele origin: germline. Affected: yes. Observed: 1 variant allele.

OMIM
Classification: Pathogenic for LEBER CONGENITAL AMAUROSIS 12. Last evaluated: 2012-06-08. Review status: no assertion criteria provided. Collection method: literature only. Allele origin: germline. Not counted in ClinVar's aggregate classification.

Literature cited by the submitters: PubMed 22531706 (cited by OMIM).

NM_001164688.2(RD3):c.180C>A (p.Tyr60Ter)

Gene: RD3 (RD3 regulator of GUCY2D; minus strand). Cytogenetic location: 1q32.3.
Variant type: single nucleotide variant.
Coding change: c.180C>A on transcript NM_001164688.2 (MANE Select); coding-DNA position 180, C replaced by A.
Protein change: p.Tyr60Ter; replaces tyrosine 60 with a stop codon.
Molecular consequence: nonsense.
Genome position (GRCh38, 1-based): chr1:211,481,236, G>T on the plus strand (C>A on the coding strand, the complement: RD3 is on the minus strand). VCF-style: chr1-211481236-G-T. GRCh37 (hg19) VCF-style: chr1-211654578-G-T.
Other names: c.180C>A, p.Tyr60Ter (NM_183059.3); short protein forms Y60*.
Identifiers: ClinVar variation 189791 (VCV000189791.37), dbSNP rs762631020, ClinGen allele CA274682.